The following is an entry in ClinVar:

NM_004044.7(ATIC):c.590A>G (p.Tyr197Cys)

Gene: ATIC (5-aminoimidazole-4-carboxamide ribonucleotide formyltransferase/IMP cyclohydrolase; plus strand). Cytogenetic location: 2q35.
Variant type: single nucleotide variant.
Coding change: c.590A>G on transcript NM_004044.7 (MANE Select); coding-DNA position 590, A replaced by G.
Protein change: p.Tyr197Cys; replaces tyrosine 197 with cysteine.
Molecular consequence: missense variant.
Genome position (GRCh38, 1-based): chr2:215,326,880, A>G. VCF-style: chr2-215326880-A-G. GRCh37 (hg19) VCF-style: chr2-216191603-A-G.
Other names: short protein forms Y197C.
Identifiers: ClinVar variation 2717572 (VCV002717572.3), dbSNP rs1281721280, ClinGen allele CA350475769.

ClinVar aggregate classification (germline): Uncertain significance (1 of 4 stars; one submission).

gnomAD v4.1: 3 of 1,614,162 alleles (0.00019%); highest among the groups gnomAD compares: Middle Eastern, 0.016%; no homozygotes.

Submission:

Labcorp Genetics (formerly Invitae), Labcorp
Classification: Uncertain significance. Last evaluated: 2023-06-16. Review status: criteria provided, single submitter. Criteria: Invitae Variant Classification Sherloc (09022015). Collection method: clinical testing. Allele origin: germline.
Comment: In summary, the available evidence is currently insufficient to determine the role of this variant in disease. Therefore, it has been classified as a Variant of Uncertain Significance. This sequence change replaces tyrosine, which is neutral and polar, with cysteine, which is neutral and slightly polar, at codon 197 of the ATIC protein (p.Tyr197Cys). This variant is present in population databases (no rsID available, gnomAD 0.0009%). This variant has not been reported in the literature in individuals affected with ATIC-related conditions. Advanced modeling of protein sequence and biophysical properties (such as structural, functional, and spatial information, amino acid conservation, physicochemical variation, residue mobility, and thermodynamic stability) performed at Invitae indicates that this missense variant is not expected to disrupt ATIC protein function.